The following is an entry in ClinVar:

ClinVar aggregate classification (germline): Pathogenic (1 of 4 stars; one submission).

Conditions:
Exostoses, multiple, type 2 (EXT2). Also called: Hereditary Multiple Osteochondromatosis, Type II; EXOSTOSES, MULTIPLE, TYPE II. Identifiers: Orphanet 321, MedGen C1851413, MONDO:0007586, OMIM 133701.

Submission:

Labcorp Genetics (formerly Invitae), Labcorp
Classification: Pathogenic for Exostoses, multiple, type 2. Last evaluated: 2023-05-20. Review status: criteria provided, single submitter. Criteria: Invitae Variant Classification Sherloc (09022015). Collection method: clinical testing. Allele origin: germline.
Comment: This sequence change creates a premature translational stop signal (p.Ile644Serfs*3) in the EXT2 gene. It is expected to result in an absent or disrupted protein product. Loss-of-function variants in EXT2 are known to be pathogenic (PMID: 10679937, 19810120). This variant is not present in population databases (gnomAD no frequency). This variant has not been reported in the literature in individuals affected with EXT2-related conditions. For these reasons, this variant has been classified as Pathogenic.

Literature cited by the submitters: PubMed 10679937; PubMed 19810120.

NM_207122.2(EXT2):c.1930del (p.Ile644fs)

Gene: EXT2 (exostosin glycosyltransferase 2; plus strand). Cytogenetic location: 11p11.2.
Variant type: Deletion.
Coding change: c.1930del on transcript NM_207122.2 (MANE Select); coding-DNA position 1930, one base deleted (A; older notation c.1930delA).
Protein change: p.Ile644fs; shifts the reading frame from isoleucine 644.
Molecular consequence: frameshift variant.
Genome position (GRCh38, 1-based): chr11:44,234,238, A deleted. VCF-style (leftmost placement, unchanged base first): chr11-44234237-TA-T. GRCh37 (hg19) VCF-style: chr11-44255787-TA-T.
Other names: c.2029del, p.Ile677fs (NM_000401.3); c.1960del, p.Ile654fs (NM_001178083.3); c.1930del, p.Ile644fs (NM_001389628.1, NM_001389630.1); short protein forms I677fs, I644fs, I654fs.
Identifiers: ClinVar variation 2866369 (VCV002866369.3), dbSNP rs2539783884, ClinGen allele CA2739270430.